The following is an entry in ClinVar:

NM_005909.5(MAP1B):c.7358C>T (p.Thr2453Ile)

Gene: MAP1B (microtubule associated protein 1B; plus strand). Cytogenetic location: 5q13.2.
Variant type: single nucleotide variant.
Coding change: c.7358C>T on transcript NM_005909.5 (MANE Select); coding-DNA position 7358, C replaced by T.
Protein change: p.Thr2453Ile; replaces threonine 2453 with isoleucine.
Molecular consequence: missense variant.
Genome position (GRCh38, 1-based): chr5:72,205,190, C>T. VCF-style: chr5-72205190-C-T. GRCh37 (hg19) VCF-style: chr5-71501017-C-T.
Other names: c.6980C>T, p.Thr2327Ile (NM_001324255.2); short protein forms T2327I, T2453I.
Identifiers: ClinVar variation 4527103 (VCV004527103.1).
Genomic context (GRCh38, chr5:72,205,190, plus strand): 5'-ACCAGGAGACCCATGAGAAACAGCAAGATCTCAACATCATGGTTTTAGCAAGCAGCAGCA[C>T]AGTGGTTATGCAAGATGAATCCTTCCCTGCATGCAAGATTGAACTGTAAAAACCAAGGCC-3'
Protein context (NP_005900.2, residues 2443-2463): LNIMVLASSS[Thr2453Ile]VVMQDESFPA

ClinVar aggregate classification (germline): Uncertain significance (1 of 4 stars; one submission).

Submission:

GeneDx
Classification: Uncertain significance. Last evaluated: 2025-04-17. Review status: criteria provided, single submitter. Criteria: GeneDx Variant Classification Process June 2021. Collection method: clinical testing. Allele origin: germline. Affected: yes.
Comment: Not observed at significant frequency in large population cohorts (gnomAD); In silico analysis supports that this missense variant has a deleterious effect on protein structure/function; Has not been previously published as pathogenic or benign to our knowledge